The following is an entry in ClinVar:

NM_001083962.2(TCF4):c.1343C>G (p.Ser448Ter)

Gene: TCF4 (transcription factor 4; minus strand). Cytogenetic location: 18q21.2.
Variant type: single nucleotide variant.
Coding change: c.1343C>G on transcript NM_001083962.2 (MANE Select); coding-DNA position 1343, C replaced by G.
Protein change: p.Ser448Ter; replaces serine 448 with a stop codon.
Molecular consequence: nonsense.
Genome position (GRCh38, 1-based): chr18:55,254,504, G>C on the plus strand (C>G on the coding strand, the complement: TCF4 is on the minus strand). VCF-style: chr18-55254504-G-C. GRCh37 (hg19) VCF-style: chr18-52921735-G-C.
Other names: c.1649C>G, p.Ser550Ter (NM_001243226.3); c.1271C>G, p.Ser424Ter (NM_001243227.2, NM_001306207.1, NM_001348217.1 and 5 more transcripts); c.1361C>G, p.Ser454Ter (NM_001243228.2); c.1334C>G, p.Ser445Ter (NM_001243230.2); c.1217C>G, p.Ser406Ter (NM_001243231.2, NM_001348211.2); c.1130C>G, p.Ser377Ter (NM_001243232.1, NM_001306208.1); c.953C>G, p.Ser318Ter (NM_001243233.2, NM_001330605.3, NM_001348212.2 and 1 more transcripts); c.863C>G, p.Ser288Ter (NM_001243234.2, NM_001243235.2, NM_001243236.2 and 1 more transcripts); and 6 more; short protein forms S232*, S287*, S288*, S318*, S377*, S406*, S423*, S424*.
Identifiers: ClinVar variation 3383618 (VCV003383618.1).

ClinVar aggregate classification (germline): Pathogenic (1 of 4 stars; one submission).

Submission:

GeneDx
Classification: Pathogenic. Last evaluated: 2024-05-30. Review status: criteria provided, single submitter. Criteria: GeneDx Variant Classification Process June 2021. Collection method: clinical testing. Allele origin: germline. Affected: yes.
Comment: Nonsense variant predicted to result in protein truncation or nonsense mediated decay in a gene for which loss of function is a known mechanism of disease; Not observed at significant frequency in large population cohorts (gnomAD); This variant is associated with the following publications: (PMID: 25525159, 21671391)